The following is an entry in ClinVar:

NM_001277115.2(DNAH11):c.9838G>A (p.Glu3280Lys)

Gene: DNAH11 (dynein axonemal heavy chain 11; plus strand). Cytogenetic location: 7p15.3.
Variant type: single nucleotide variant.
Coding change: c.9838G>A on transcript NM_001277115.2 (MANE Select); coding-DNA position 9838, G replaced by A.
Protein change: p.Glu3280Lys; replaces glutamic acid 3280 with lysine.
Molecular consequence: missense variant.
Genome position (GRCh38, 1-based): chr7:21,787,497, G>A. VCF-style: chr7-21787497-G-A. GRCh37 (hg19) VCF-style: chr7-21827115-G-A.
Other names: short protein forms E3280K.
Identifiers: ClinVar variation 835592 (VCV000835592.12), dbSNP rs369078097, ClinGen allele CA4182129.

ClinVar aggregate classification (germline): Conflicting classifications of pathogenicity. Review status: criteria provided, conflicting classifications (1 of 4 stars). 4 submissions from 4 submitters: Uncertain significance (2); Likely benign (1). 1 of the submissions does not count toward it. Last evaluated 2026-01-21.

Conditions:
DNAH11-related disorder. Also called: DNAH11-related condition.
Primary ciliary dyskinesia. Also called: Ciliary dyskinesia. Identifiers: Orphanet 244, MedGen C0008780, MONDO:0016575, HP:0012265.

Allele frequency attached by ClinVar (database versions not stated): gnomAD 0.00002 and 0.00001; ESP Exome Variant Server 0.00008; TOPMed 0.00001.
gnomAD v4.1: 33 of 1,613,694 alleles (0.002%); highest among the groups gnomAD compares: Non-Finnish European, 0.0028%; no homozygotes.

Submissions (4):

Labcorp Genetics (formerly Invitae), Labcorp
Classification: Likely benign for Primary ciliary dyskinesia. Last evaluated: 2026-01-21. Review status: criteria provided, single submitter. Criteria: Invitae Variant Classification Sherloc (09022015). Collection method: clinical testing. Allele origin: germline.

Ambry Genetics
Classification: Uncertain significance for Primary ciliary dyskinesia. Last evaluated: 2025-09-22. Review status: criteria provided, single submitter. Criteria: Ambry Variant Classification Scheme 2023. Collection method: clinical testing. Allele origin: germline.

Blueprint Genetics
Classification: Uncertain significance. Last evaluated: 2022-05-04. Review status: criteria provided, single submitter. Criteria: ACMG Guidelines, 2015. Collection method: clinical testing. Allele origin: germline.

PreventionGenetics, part of Exact Sciences
Classification: Uncertain significance for DNAH11-related condition. Last evaluated: 2024-05-02. Review status: no assertion criteria provided. Collection method: clinical testing. Allele origin: germline. Not counted in ClinVar's aggregate classification.
Comment: The DNAH11 c.9838G>A variant is predicted to result in the amino acid substitution p.Glu3280Lys. To our knowledge, this variant has not been reported in the literature. This variant is reported in 0.0018% of alleles in individuals of European (Non-Finnish) descent in gnomAD. At this time, the clinical significance of this variant is uncertain due to the absence of conclusive functional and genetic evidence.